The following is an entry in ClinVar:

NM_007194.4(CHEK2):c.1388T>C (p.Val463Ala)

Gene: CHEK2 (checkpoint kinase 2; minus strand). Cytogenetic location: 22q12.1.
Variant type: single nucleotide variant.
Coding change: c.1388T>C on transcript NM_007194.4 (MANE Select); coding-DNA position 1388, T replaced by C.
Protein change: p.Val463Ala; replaces valine 463 with alanine.
Molecular consequence: missense variant.
Genome position (GRCh38, 1-based): chr22:28,694,105, A>G on the plus strand (T>C on the coding strand, the complement: CHEK2 is on the minus strand). VCF-style: chr22-28694105-A-G. GRCh37 (hg19) VCF-style: chr22-29090093-A-G.
Other names: c.1517T>C, p.Val506Ala (NM_001005735.3); c.725T>C, p.Val242Ala (NM_001257387.3); c.1187T>C, p.Val396Ala (NM_001349956.3); c.1301T>C, p.Val434Ala (NM_145862.3); short protein forms V396A, V506A, V242A, V434A, V463A.
Identifiers: ClinVar variation 2064674 (VCV002064674.4), dbSNP rs2145786336, ClinGen allele CA411094501.

ClinVar aggregate classification (germline): Uncertain significance (1 of 4 stars; one submission).

Conditions:
Familial cancer of breast. Also called: BREAST CANCER, FAMILIAL; Hereditary breast cancer; hereditary breast carcinoma. Identifiers: Orphanet 227535, MedGen C0346153, MONDO:0016419, OMIM 114480. Disease mechanism: loss of function.

Submission:

Labcorp Genetics (formerly Invitae), Labcorp
Classification: Uncertain significance for Familial cancer of breast. Last evaluated: 2022-07-19. Review status: criteria provided, single submitter. Criteria: Invitae Variant Classification Sherloc (09022015). Collection method: clinical testing. Allele origin: germline.
Comment: In summary, the available evidence is currently insufficient to determine the role of this variant in disease. Therefore, it has been classified as a Variant of Uncertain Significance. Algorithms developed to predict the effect of missense changes on protein structure and function are either unavailable or do not agree on the potential impact of this missense change (SIFT: "Deleterious"; PolyPhen-2: "Probably Damaging"; Align-GVGD: "Class C0"). This variant has not been reported in the literature in individuals affected with CHEK2-related conditions. This variant is not present in population databases (gnomAD no frequency). This sequence change replaces valine, which is neutral and non-polar, with alanine, which is neutral and non-polar, at codon 463 of the CHEK2 protein (p.Val463Ala).